The following is an entry in ClinVar:

ClinVar aggregate classification (germline): Likely benign. Review status: criteria provided, multiple submitters, no conflicts (2 of 4 stars). 2 submissions from 2 submitters: Likely benign (2). Last evaluated 2024-11-17.

Submissions (2):

Labcorp Genetics (formerly Invitae), Labcorp
Classification: Likely benign. Last evaluated: 2024-11-17. Review status: criteria provided, single submitter. Criteria: Invitae Variant Classification Sherloc (09022015). Collection method: clinical testing. Allele origin: germline.

GeneDx
Classification: Likely benign. Last evaluated: 2023-01-05. Review status: criteria provided, single submitter. Criteria: GeneDx Variant Classification Process June 2021. Collection method: clinical testing. Allele origin: germline. Affected: yes.
Comment: In silico analysis supports that this variant does not alter splicing; Nucleotide substitution has no predicted effect on splicing and is not conserved across species; Has not been previously published as pathogenic or benign to our knowledge; Not observed at significant frequency in large population cohorts (gnomAD)

NM_001845.6(COL4A1):c.1551A>G (p.Thr517=)

Gene: COL4A1 (collagen type IV alpha 1 chain; minus strand). Cytogenetic location: 13q34.
Variant type: single nucleotide variant.
Coding change: c.1551A>G on transcript NM_001845.6 (MANE Select); coding-DNA position 1551, A replaced by G.
Protein change: p.Thr517=; no amino-acid change (threonine 517 retained).
Molecular consequence: synonymous variant.
Genome position (GRCh38, 1-based): chr13:110,187,315, T>C on the plus strand (A>G on the coding strand, the complement: COL4A1 is on the minus strand). VCF-style: chr13-110187315-T-C. GRCh37 (hg19) VCF-style: chr13-110839662-T-C.
Identifiers: ClinVar variation 1321092 (VCV001321092.4), dbSNP rs1431558455, ClinGen allele CA484790555.
Genomic context (GRCh38, chr13:110,187,315, plus strand): 5'-CAAGTCGAAATAAAACTCACCAGGCTCCCCCTTGGCTCCTGGCTGGCCTATCAGCCCTGG[T>C]GTACCTTGAGGGCCCTGTAAGAACAAAGCCTTGTGATCCACAGAAGAACCCATCCATGAA-3'
Protein context (NP_001836.3, residues 507-527): GVAGVPGPQG[Thr517=]PGLIGQPGAK